The following is an entry in ClinVar:

ClinVar aggregate classification (germline): Likely benign (1 of 4 stars; one submission).

gnomAD v4.1: 65 of 1,613,782 alleles (0.004%); highest among the groups gnomAD compares: Admixed American, 0.018%; no homozygotes.

Submission:

CeGaT Center for Human Genetics Tuebingen
Classification: Likely benign. Last evaluated: 2024-11-01. Review status: criteria provided, single submitter. Criteria: CeGaT Center For Human Genetics Tuebingen Variant Classification Criteria Version 2. Collection method: clinical testing. Allele origin: germline. Affected: yes. Observed: 1 variant allele.
Comment: PPP1R21: BP4, BP7

NM_001135629.3(PPP1R21):c.2208G>A (p.Arg736=)

Gene: PPP1R21 (protein phosphatase 1 regulatory subunit 21; plus strand). Cytogenetic location: 2p16.3.
Variant type: single nucleotide variant.
Coding change: c.2208G>A on transcript NM_001135629.3 (MANE Select); coding-DNA position 2208, G replaced by A.
Protein change: p.Arg736=; no amino-acid change (arginine 736 retained).
Molecular consequence: synonymous variant. On other transcripts: non-coding transcript variant (1).
Genome position (GRCh38, 1-based): chr2:48,511,363, G>A. VCF-style: chr2-48511363-G-A. GRCh37 (hg19) VCF-style: chr2-48738502-G-A.
Other names: c.2082G>A, p.Arg694= (NM_001193475.2); c.2175G>A, p.Arg725= (NM_152994.5).
Identifiers: ClinVar variation 3388548 (VCV003388548.14).